The following is an entry in ClinVar:

NM_004369.4(COL6A3):c.6174C>T (p.Asp2058=)

Gene: COL6A3 (collagen type VI alpha 3 chain; minus strand). Cytogenetic location: 2q37.3.
Variant type: single nucleotide variant.
Coding change: c.6174C>T on transcript NM_004369.4 (MANE Select); coding-DNA position 6174, C replaced by T.
Protein change: p.Asp2058=; no amino-acid change (aspartic acid 2058 retained).
Molecular consequence: synonymous variant.
Genome position (GRCh38, 1-based): chr2:237,361,157, G>A on the plus strand (C>T on the coding strand, the complement: COL6A3 is on the minus strand). VCF-style: chr2-237361157-G-A. GRCh37 (hg19) VCF-style: chr2-238269800-G-A.
Other names: c.4353C>T, p.Asp1451= (NM_057166.5); c.5556C>T, p.Asp1852= (NM_057167.4).
Identifiers: ClinVar variation 335114 (VCV000335114.54), dbSNP rs777351827, ClinGen allele CA2188426.
Genomic context (GRCh38, chr2:237,361,157, plus strand): 5'-GGGACTAAAACAATTTTTACTTACGGGTCCACCCTCATCACCAGGATAGCCTCGGTAGCC[G>A]TCTTCTCCAGGAATACCCTGAAACAAAGTAATCGGGTCCTCTGTTTAATCCCGTGGTCTT-3'
Protein context (NP_004360.2, residues 2048-2068): SIGPKGIPGE[Asp2058=]GYRGYPGDEG

ClinVar aggregate classification (germline): Likely benign. Review status: criteria provided, multiple submitters, no conflicts (2 of 4 stars). 3 submissions from 3 submitters: Likely benign (3). Last evaluated 2026-01-18.

Conditions:
Collagen 6-related myopathy. Identifiers: MedGen CN117976, MONDO:0100225.
Bethlem myopathy 1A. Also called: Bethlem myopathy 1; Bethlem Muscular Dystrophy; MYOPATHY, BENIGN CONGENITAL, WITH CONTRACTURES. Identifiers: Orphanet 610, MedGen CN029274, MONDO:0024530, OMIM 158810.

Allele frequency attached by ClinVar (database versions not stated): gnomAD 0.00001; ExAC 0.00004; gnomAD exomes 0.00004 and 0.00005.
gnomAD v4.1: 54 of 1,613,994 alleles (0.0033%); highest among the groups gnomAD compares: South Asian, 0.013%; no homozygotes.

Submissions (3):

Labcorp Genetics (formerly Invitae), Labcorp
Classification: Likely benign for Bethlem myopathy 1A. Last evaluated: 2026-01-18. Review status: criteria provided, single submitter. Criteria: Invitae Variant Classification Sherloc (09022015). Collection method: clinical testing. Allele origin: germline.

CeGaT Center for Human Genetics Tuebingen
Classification: Likely benign. Last evaluated: 2019-05-01. Review status: criteria provided, single submitter. Criteria: CeGaT Center For Human Genetics Tuebingen Variant Classification Criteria Version 2. Collection method: clinical testing. Allele origin: germline. Affected: yes. Observed: 1 variant allele.

Illumina Laboratory Services, Illumina
Classification: Likely benign for Collagen VI-related myopathy. Last evaluated: 2018-01-12. Review status: criteria provided, single submitter. Criteria: ICSL Variant Classification Criteria 13 December 2019. Collection method: clinical testing. Allele origin: germline.
Comment: This variant was observed in the ICSL laboratory as part of a predisposition screen in an ostensibly healthy population. It had not been previously curated by ICSL or reported in the Human Gene Mutation Database (HGMD: prior to June 1st, 2018), and was therefore a candidate for classification through an automated scoring system. Utilizing variant allele frequency, disease prevalence and penetrance estimates, and inheritance mode, an automated score was calculated to assess if this variant is too frequent to cause the disease. Based on the score and internal cut-off values, a variant classified as likely benign is not then subjected to further curation. The score for this variant resulted in a classification of likely benign for this disease.